The following is an entry in ClinVar:

NM_001211.6(BUB1B):c.2198C>G (p.Ser733Cys)

Gene: BUB1B (BUB1 mitotic checkpoint serine/threonine kinase B; plus strand). Cytogenetic location: 15q15.1.
Variant type: single nucleotide variant.
Coding change: c.2198C>G on transcript NM_001211.6 (MANE Select); coding-DNA position 2198, C replaced by G.
Protein change: p.Ser733Cys; replaces serine 733 with cysteine.
Molecular consequence: missense variant.
Genome position (GRCh38, 1-based): chr15:40,209,689, C>G. VCF-style: chr15-40209689-C-G. GRCh37 (hg19) VCF-style: chr15-40501890-C-G.
Other names: short protein forms S733C.
Identifiers: ClinVar variation 5033510 (VCV005033510.1).
Genomic context (GRCh38, chr15:40,209,689, plus strand): 5'-TGGCAGAAAACCCTACTCAGTCACCATGGTGTTCACAGTATCGCAGACAGCTACTGAAGT[C>G]CCTACCAGAGTTAAGTGCCTCTGCAGAGTTGTGTATAGAAGACAGACCAATGCCTAAGTT-3'
Protein context (NP_001202.5, residues 723-743): CSQYRRQLLK[Ser733Cys]LPELSASAEL

ClinVar aggregate classification (germline): Uncertain significance (1 of 4 stars; one submission).

Conditions:
Inborn genetic diseases. Identifiers: MedGen C0950123, MeSH D030342.

Submission:

Ambry Genetics
Classification: Uncertain significance for Inborn genetic diseases. Last evaluated: 2026-07-05. Review status: criteria provided, single submitter. Criteria: Ambry Variant Classification Scheme 2023. Collection method: clinical testing. Allele origin: germline.
Comment: The p.S733C variant (also known as c.2198C>G), located in coding exon 17 of the BUB1B gene, results from a C to G substitution at nucleotide position 2198. The serine at codon 733 is replaced by cysteine, an amino acid with dissimilar properties. This amino acid position is conserved. In addition, this alteration is predicted to be tolerated by in silico analysis. Based on the available evidence, the clinical significance of this variant remains unclear.